The following is an entry in ClinVar:

ClinVar aggregate classification (germline): Conflicting classifications of pathogenicity. Review status: criteria provided, conflicting classifications (1 of 4 stars). 8 submissions from 8 submitters: Uncertain significance (1); Benign (2); Likely benign (4). 1 of the submissions does not count toward it. Last evaluated 2026-01-28.

Conditions:
Brittle cornea syndrome 1 (BCS1). Also called: Corneal fragility keratoglobus, blue sclerae AND joint hypermobility; DYSGENESIS MESODERMALIS CORNEAE ET SCLERAE; CORNEAL FRAGILITY, KERATOGLOBUS, BLUE SCLERAE, JOINT HYPEREXTENSIBILITY; EDS6B; FRAGILITAS OCULI WITH JOINT HYPEREXTENSIBILITY. Identifiers: Orphanet 90354, MedGen C0268344, MONDO:0024543, OMIM 229200.
ZNF469-related disorder. Also called: ZNF469-related condition.
Cardiovascular phenotype. Identifiers: MedGen CN230736.

Allele frequency attached by ClinVar (database versions not stated): gnomAD exomes 0.00046; ExAC 0.00080; gnomAD 0.00166; 1000 Genomes Project 30x 0.00187; 1000 Genomes Project 0.00200; TOPMed 0.00224.
gnomAD v4.1: 578 of 1,550,296 alleles (0.037%); highest among the groups gnomAD compares: African/African-American, 0.66%; no homozygotes.

Submissions (8):

Labcorp Genetics (formerly Invitae), Labcorp
Classification: Benign. Last evaluated: 2026-01-28. Review status: criteria provided, single submitter. Criteria: Invitae Variant Classification Sherloc (09022015). Collection method: clinical testing. Allele origin: germline.

Women's Health and Genetics/Laboratory Corporation of America, LabCorp
Classification: Likely benign. Last evaluated: 2025-11-19. Review status: criteria provided, single submitter. Criteria: LabCorp Variant Classification Summary - May 2015. Collection method: clinical testing. Allele origin: germline.
Comment: Variant summary: ZNF469 c.751C>A (p.Pro251Thr) results in a non-conservative amino acid change in the encoded protein sequence. Algorithms developed to predict the effect of missense changes on protein structure and function are either unavailable or do not agree on the potential impact of this missense change. The variant allele was found at a frequency of 0.00046 in 150678 control chromosomes, predominantly at a frequency of 0.0071 within the African or African-American subpopulation in the gnomAD database. The observed variant frequency within African or African-American control individuals in the gnomAD database exceeds the estimated maximal expected allele frequency for disease-causing variants in ZNF469. To our knowledge, no occurrence of c.751C>A in individuals affected with ZNF469-related conditions and no experimental evidence demonstrating its impact on protein function have been reported. ClinVar contains an entry for this variant (Variation ID: 379787). Based on the evidence outlined above, the variant was classified as likely benign.

Mayo Clinic Laboratories, Mayo Clinic
Classification: Likely benign. Last evaluated: 2025-01-10. Review status: criteria provided, single submitter. Criteria: ACMG Guidelines, 2015. Collection method: clinical testing. Allele origin: germline. Observed: 1 variant allele.
Comment: BS1, BP4_moderate

Fulgent Genetics
Classification: Likely benign for Brittle cornea syndrome 1. Last evaluated: 2022-01-14. Review status: criteria provided, single submitter. Criteria: ACMG Guidelines, 2015. Collection method: clinical testing. Allele origin: unknown.

Genome-Nilou Lab
Classification: Benign for Brittle cornea syndrome 1. Last evaluated: 2021-12-05. Review status: criteria provided, single submitter. Criteria: ACMG Guidelines, 2015. Collection method: clinical testing. Allele origin: germline. Affected: no.

Ambry Genetics
Classification: Uncertain significance for Cardiovascular phenotype. Last evaluated: 2021-08-09. Review status: criteria provided, single submitter. Criteria: Ambry Variant Classification Scheme 2023. Collection method: clinical testing. Allele origin: germline.

GeneDx
Classification: Likely benign. Last evaluated: 2021-06-25. Review status: criteria provided, single submitter. Criteria: GeneDx Variant Classification Process June 2021. Collection method: clinical testing. Allele origin: germline. Affected: yes.

PreventionGenetics, part of Exact Sciences
Classification: Likely benign for ZNF469-related condition. Last evaluated: 2022-01-18. Review status: no assertion criteria provided. Collection method: clinical testing. Allele origin: germline. Not counted in ClinVar's aggregate classification.
Comment: This variant is classified as likely benign based on ACMG/AMP sequence variant interpretation guidelines (Richards et al. 2015 PMID: 25741868, with internal and published modifications).

NM_001367624.2(ZNF469):c.751C>A (p.Pro251Thr)

Gene: ZNF469 (zinc finger protein 469; plus strand). Cytogenetic location: 16q24.2.
Variant type: single nucleotide variant.
Coding change: c.751C>A on transcript NM_001367624.2 (MANE Select); coding-DNA position 751, C replaced by A.
Protein change: p.Pro251Thr; replaces proline 251 with threonine.
Molecular consequence: missense variant.
Genome position (GRCh38, 1-based): chr16:88,428,221, C>A. VCF-style: chr16-88428221-C-A. GRCh37 (hg19) VCF-style: chr16-88494629-C-A.
Other names: NM_001127464.1:c.751C>A; NM_001127464.2:c.751C>A; p.Pro251Thr; short protein forms P251T.
Identifiers: ClinVar variation 379787 (VCV000379787.20), dbSNP rs540655479, ClinGen allele CA8224622.